The following is an entry in ClinVar:

ClinVar aggregate classification (germline): Uncertain significance. Review status: criteria provided, multiple submitters, no conflicts (2 of 4 stars). 7 submissions from 7 submitters: Uncertain significance (5). 2 of the submissions do not count toward it. Last evaluated 2025-12-17.

Conditions:
Polyposis syndrome, hereditary mixed, 2. Identifiers: Orphanet 157794, MedGen C1864730, MONDO:0012405, OMIM 610069.
Juvenile polyposis syndrome (JPS). Identifiers: Orphanet 2929, MedGen C0345893, MONDO:0017380, OMIM 174900.
Hereditary cancer-predisposing syndrome. Also called: Neoplastic Syndromes, Hereditary; Hereditary neoplastic syndrome; Tumor predisposition; Hereditary Cancer Syndrome. Identifiers: Orphanet 140162, MedGen C0027672, MeSH D009386, MONDO:0015356.

Allele frequency attached by ClinVar (database versions not stated): gnomAD exomes below 0.00001; ExAC 0.00001; gnomAD 0.00001.
gnomAD v4.1: 3 of 1,613,840 alleles (0.00019%); highest among the groups gnomAD compares: Non-Finnish European, 0.00025%; no homozygotes.

Submissions (7):

Labcorp Genetics (formerly Invitae), Labcorp
Classification: Uncertain significance for Juvenile polyposis syndrome. Last evaluated: 2025-12-17. Review status: criteria provided, single submitter. Criteria: Invitae Variant Classification Sherloc (09022015). Collection method: clinical testing. Allele origin: germline.
Comment: This sequence change replaces leucine, which is neutral and non-polar, with methionine, which is neutral and non-polar, at codon 334 of the BMPR1A protein (p.Leu334Met). This variant is present in population databases (rs749873461, gnomAD 0.0009%). This variant has not been reported in the literature in individuals affected with BMPR1A-related conditions. ClinVar contains an entry for this variant (Variation ID: 660599). Invitae Evidence Modeling incorporating data from in vitro experimental studies (internal data) indicates that this missense variant is not expected to disrupt BMPR1A function with a negative predictive value of 95%. In summary, the available evidence is currently insufficient to determine the role of this variant in disease. Therefore, it has been classified as a Variant of Uncertain Significance.

Ambry Genetics
Classification: Uncertain significance for Hereditary cancer-predisposing syndrome. Last evaluated: 2025-01-11. Review status: criteria provided, single submitter. Criteria: Ambry Variant Classification Scheme 2023. Collection method: clinical testing. Allele origin: germline.
Comment: The p.L334M variant (also known as c.1000T>A), located in coding exon 8 of the BMPR1A gene, results from a T to A substitution at nucleotide position 1000. The leucine at codon 334 is replaced by methionine, an amino acid with highly similar properties. This amino acid position is highly conserved in available vertebrate species. In addition, the in silico prediction for this alteration is inconclusive. Since supporting evidence is limited at this time, the clinical significance of this alteration remains unclear.

Color Diagnostics, LLC DBA Color Health
Classification: Uncertain significance for Hereditary cancer-predisposing syndrome. Last evaluated: 2024-03-06. Review status: criteria provided, single submitter. Criteria: ACMG Guidelines, 2015. Collection method: clinical testing. Allele origin: germline.
Comment: This missense variant replaces leucine with methionine at codon 334 of the BMPR1A protein. Computational prediction is inconclusive regarding the impact of this variant on protein structure and function (internally defined REVEL score threshold 0.5 < inconclusive < 0.7, PMID: 27666373). To our knowledge, functional studies have not been reported for this variant. This variant has not been reported in individuals affected with BMPR1A-related disorders in the literature. This variant has been identified in 1/251176 chromosomes in the general population by the Genome Aggregation Database (gnomAD). The available evidence is insufficient to determine the role of this variant in disease conclusively. Therefore, this variant is classified as a Variant of Uncertain Significance.

Baylor Genetics
Classification: Uncertain significance for Polyposis syndrome, hereditary mixed, 2. Last evaluated: 2023-07-06. Review status: criteria provided, single submitter. Criteria: ACMG Guidelines, 2015. Collection method: clinical testing. Allele origin: unknown.

All of Us Research Program, National Institutes of Health
Classification: Uncertain significance for Juvenile polyposis syndrome. Last evaluated: 2023-04-03. Review status: criteria provided, single submitter. Criteria: ACMG Guidelines, 2015. Collection method: clinical testing. Allele origin: germline. Inheritance: Autosomal dominant inheritance. Observed: 1 variant allele, 1 heterozygote.
Comment: This missense variant replaces leucine with methionine at codon 334 of the BMPR1A protein. Computational prediction is inconclusive regarding the impact of this variant on protein structure and function (internally defined REVEL score threshold 0.5 < inconclusive < 0.7, PMID: 27666373). To our knowledge, functional studies have not been reported for this variant. This variant has not been reported in individuals affected with BMPR1A-related disorders in the literature. This variant has been identified in 1/251176 chromosomes in the general population by the Genome Aggregation Database (gnomAD). The available evidence is insufficient to determine the role of this variant in disease conclusively. Therefore, this variant is classified as a Variant of Uncertain Significance.

This study involves interpretation of variants in research participants for the purpose of population health screening. Participant phenotype was not available at the time of variant classification. Additional details can be found in publication PMID: 35346344, PMCID: PMC8962531

Clinical Genetics, Academic Medical Center
Classification: Uncertain significance. Review status: no assertion criteria provided. Collection method: clinical testing. Allele origin: germline. Affected: yes. Study: VKGL Data-share Consensus. Not counted in ClinVar's aggregate classification.

Joint Genome Diagnostic Labs from Nijmegen and Maastricht, Radboudumc and MUMC+
Classification: Uncertain significance. Review status: no assertion criteria provided. Collection method: clinical testing. Allele origin: germline. Affected: yes. Study: VKGL Data-share Consensus. Not counted in ClinVar's aggregate classification.

NM_004329.3(BMPR1A):c.1000T>A (p.Leu334Met)

Gene: BMPR1A (bone morphogenetic protein receptor type 1A; plus strand). Cytogenetic location: 10q23.2.
Variant type: single nucleotide variant.
Coding change: c.1000T>A on transcript NM_004329.3 (MANE Select); coding-DNA position 1000, T replaced by A.
Protein change: p.Leu334Met; replaces leucine 334 with methionine.
Molecular consequence: missense variant.
Genome position (GRCh38, 1-based): chr10:86,919,303, T>A. VCF-style: chr10-86919303-T-A. GRCh37 (hg19) VCF-style: chr10-88679060-T-A.
Other names: short protein forms L334M.
Identifiers: ClinVar variation 660599 (VCV000660599.22), dbSNP rs749873461, ClinGen allele CA5585639.